The following is an entry in ClinVar:

ClinVar aggregate classification (germline): Pathogenic (1 of 4 stars; one submission).

Conditions:
Deafness-lymphedema-leukemia syndrome. Also called: Emberger syndrome; Lymphedema, primary, with myelodysplasia. Identifiers: Orphanet 3226, MedGen C3279664, MONDO:0013540, OMIM 614038.
GATA2 deficiency with susceptibility to MDS/AML. Identifiers: MedGen CN300066, MONDO:0042982.

Submission:

Molecular Pathology Research Laboratory, SA Pathology
Classification: Pathogenic for GATA2 deficiency with susceptibility to MDS/AML; Deafness-lymphedema-leukemia syndrome. Last evaluated: 2021-07-06. Review status: criteria provided, single submitter. Criteria: ACMG Guidelines, 2015. Collection method: curation. Allele origin: unknown. Inheritance: Autosomal dominant inheritance. Affected: yes. Observed: 1 variant allele.
Comment: PVS1, PS4_Supporting, PM2

Literature cited by the submitters: PubMed 24345756.

NM_032638.5(GATA2):c.257_258del (p.Arg86fs)

Gene: GATA2 (GATA binding protein 2; minus strand). Cytogenetic location: 3q21.3.
Variant type: Deletion.
Coding change: c.257_258del on transcript NM_032638.5 (MANE Select); coding-DNA positions 257 to 258, 2 bases deleted (GC; older notation c.257_258delGC).
Protein change: p.Arg86fs; shifts the reading frame from arginine 86.
Molecular consequence: frameshift variant.
Genome position (GRCh38, 1-based): chr3:128,486,340-128,486,341, GC deleted on the plus strand (GC on the coding strand, the reverse complement: GATA2 is on the minus strand); deleting any 2 consecutive bases within chr3:128,486,340-128,486,342 gives the same sequence; the c. name uses the placement nearest the transcript's 3' end. VCF-style (leftmost placement, unchanged base first): chr3-128486339-GGC-G. GRCh37 (hg19) VCF-style: chr3-128205182-GGC-G.
Other names: c.257_258del, p.Arg86fs (NM_001145661.2, NM_001145662.1); short protein forms R86fs.
Identifiers: ClinVar variation 1184170 (VCV001184170.1), dbSNP rs2107672963, ClinGen allele CA1139532776.